The following is an entry in ClinVar:

ClinVar aggregate classification (germline): Likely pathogenic (1 of 4 stars; one submission).

Conditions:
Autosomal recessive polycystic kidney disease (ARPKD). Also called: AR polycystic kidney disease. Identifiers: Orphanet 731, Orphanet 8378, MedGen C0085548, MeSH D017044, MONDO:0009889.

gnomAD v4.1: 1 of 1,613,530 alleles (0.000062%); highest among the groups gnomAD compares: Non-Finnish European, 0.000085%; no homozygotes.

Submission:

Natera, Inc.
Classification: Likely pathogenic for Autosomal recessive polycystic kidney disease. Last evaluated: 2025-10-21. Review status: criteria provided, single submitter. Criteria: Natera Variant Classification Schema (03/2026). Collection method: clinical testing. Allele origin: germline.
Comment: The c.8872C>T variant in PKHD1 is a nonsense variant predicted to introduce a stop codon at amino acid 2958. This variant is expected to result in nonsense mediated decay, truncation, or a dysfunctional protein product. This variant is rare in the general population with a frequency below the threshold expected for the associated phenotype(s). Given the available evidence, this variant is classified as Likely Pathogenic.

NM_138694.4(PKHD1):c.8872C>T (p.Gln2958Ter)

Gene: PKHD1 (PKHD1 ciliary IPT domain containing fibrocystin/polyductin; minus strand). Cytogenetic location: 6p12.3.
Variant type: single nucleotide variant.
Coding change: c.8872C>T on transcript NM_138694.4 (MANE Select); coding-DNA position 8872, C replaced by T.
Protein change: p.Gln2958Ter; replaces glutamine 2958 with a stop codon.
Molecular consequence: nonsense.
Genome position (GRCh38, 1-based): chr6:51,753,279, G>A on the plus strand (C>T on the coding strand, the complement: PKHD1 is on the minus strand). VCF-style: chr6-51753279-G-A. GRCh37 (hg19) VCF-style: chr6-51618077-G-A.
Other names: c.8872C>T, p.Gln2958Ter (NM_170724.3); short protein forms Q2958*.
Identifiers: ClinVar variation 4816786 (VCV004816786.1).